The following is an entry in ClinVar:

NM_001127198.5(TMC6):c.921C>T (p.Tyr307=)

Gene: TMC6 (transmembrane channel like 6; minus strand). Cytogenetic location: 17q25.3.
Variant type: single nucleotide variant.
Coding change: c.921C>T on transcript NM_001127198.5 (MANE Select); coding-DNA position 921, C replaced by T.
Protein change: p.Tyr307=; no amino-acid change (tyrosine 307 retained).
Molecular consequence: synonymous variant. On other transcripts: non-coding transcript variant (4).
Genome position (GRCh38, 1-based): chr17:78,124,150, G>A on the plus strand (C>T on the coding strand, the complement: TMC6 is on the minus strand). VCF-style: chr17-78124150-G-A. GRCh37 (hg19) VCF-style: chr17-76120231-G-A.
Other names: c.921C>T, p.Tyr307= (NM_001374593.1, NM_001374594.1, NM_001374596.1 and 4 more transcripts).
Identifiers: ClinVar variation 2696201 (VCV002696201.5), dbSNP rs370443724, ClinGen allele CA8795935.

ClinVar aggregate classification (germline): Likely benign. Review status: criteria provided, single submitter (1 of 4 stars). 2 submissions from 2 submitters: Likely benign (1). 1 of the submissions does not count toward it. Last evaluated 2025-12-21.

Conditions:
Epidermodysplasia verruciformis. Identifiers: Orphanet 302, MedGen C0014522, MONDO:0009176.
TMC6-related disorder. Also called: TMC6-related condition.

Allele frequency attached by ClinVar (database versions not stated): gnomAD exomes 0.00004; ESP Exome Variant Server 0.00008; 1000 Genomes Project 30x 0.00031; ExAC 0.00013; TOPMed 0.00005; gnomAD 0.00007; 1000 Genomes Project 0.00020.
gnomAD v4.1: 65 of 1,612,328 alleles (0.004%); highest among the groups gnomAD compares: African/African-American, 0.011%; no homozygotes.

Submissions (2):

Labcorp Genetics (formerly Invitae), Labcorp
Classification: Likely benign for Epidermodysplasia verruciformis. Last evaluated: 2025-12-21. Review status: criteria provided, single submitter. Criteria: Invitae Variant Classification Sherloc (09022015). Collection method: clinical testing. Allele origin: germline.

PreventionGenetics, part of Exact Sciences
Classification: Likely benign for TMC6-related condition. Last evaluated: 2019-03-22. Review status: no assertion criteria provided. Collection method: clinical testing. Allele origin: germline. Not counted in ClinVar's aggregate classification.
Comment: This variant is classified as likely benign based on ACMG/AMP sequence variant interpretation guidelines (Richards et al. 2015 PMID: 25741868, with internal and published modifications).